The following is an entry in ClinVar:

ClinVar aggregate classification (germline): Pathogenic/Likely pathogenic. Review status: criteria provided, multiple submitters, no conflicts (2 of 4 stars). 3 submissions from 3 submitters: Pathogenic (1); Likely pathogenic (2). Last evaluated 2025-09-19.

Conditions:
Mitchell syndrome. Identifiers: Orphanet 631248, MedGen C5394554, MONDO:0030073, OMIM 618960.
Acyl-CoA oxidase deficiency. Also called: Pseudoneonatal adrenoleukodystrophy; Peroxisomal acyl-CoA oxidase deficiency; STRAIGHT-CHAIN ACYL-CoA OXIDASE DEFICIENCY. Identifiers: Orphanet 2971, MedGen C1849678, MONDO:0009919, OMIM 264470. Disease mechanism: loss of function.

Submissions (3):

Natera, Inc.
Classification: Likely pathogenic for Peroxisomal acyl-CoA oxidase deficiency. Last evaluated: 2025-09-19. Review status: criteria provided, single submitter. Criteria: Natera Variant Classification Schema (03/2026). Collection method: clinical testing. Allele origin: germline.
Comment: The c.139delC variant in ACOX1 is a frameshift variant predicted to shift the reading frame beginning at codon 47 and leads to a stop codon 5 codons downstream. This variant is expected to result in nonsense mediated decay, truncation, or a dysfunctional protein product. This variant is rare in the general population with a frequency below the threshold expected for the associated phenotype(s). Given the available evidence, this variant is classified as Likely Pathogenic.

Baylor Genetics
Classification: Likely pathogenic for Mitchell syndrome. Last evaluated: 2024-03-12. Review status: criteria provided, single submitter. Criteria: ACMG Guidelines, 2015. Collection method: clinical testing. Allele origin: unknown.

Labcorp Genetics (formerly Invitae), Labcorp
Classification: Pathogenic for Acyl-CoA oxidase deficiency. Last evaluated: 2024-01-03. Review status: criteria provided, single submitter. Criteria: Invitae Variant Classification Sherloc (09022015). Collection method: clinical testing. Allele origin: germline.
Comment: This sequence change creates a premature translational stop signal (p.Gln47Serfs*5) in the ACOX1 gene. It is expected to result in an absent or disrupted protein product. Loss-of-function variants in ACOX1 are known to be pathogenic (PMID: 8040306, 17458872). This variant is not present in population databases (gnomAD no frequency). This variant has not been reported in the literature in individuals affected with ACOX1-related conditions. ClinVar contains an entry for this variant (Variation ID: 578920). For these reasons, this variant has been classified as Pathogenic.

Literature cited by the submitters: PubMed 8040306 (cited by Labcorp Genetics (formerly Invitae), Labcorp); PubMed 17458872 (cited by Labcorp Genetics (formerly Invitae), Labcorp).

NM_004035.7(ACOX1):c.139del (p.Gln47fs)

Gene: ACOX1 (acyl-CoA oxidase 1; minus strand). Cytogenetic location: 17q25.1.
Variant type: Deletion.
Coding change: c.139del on transcript NM_004035.7 (MANE Select); coding-DNA position 139, one base deleted (C; older notation c.139delC).
Protein change: p.Gln47fs; shifts the reading frame from glutamine 47.
Molecular consequence: frameshift variant.
Genome position (GRCh38, 1-based): chr17:75,978,664, G deleted on the plus strand (C on the coding strand, the reverse complement: ACOX1 is on the minus strand); the first of 2 consecutive G bases (chr17:75,978,664-75,978,665); deleting either gives the same sequence. VCF-style (leftmost placement, unchanged base first): chr17-75978663-TG-T. GRCh37 (hg19) VCF-style: chr17-73974744-TG-T.
Other names: c.25del, p.Gln9fs (NM_001185039.2); c.139del, p.Gln47fs (NM_007292.6); short protein forms Q47fs, Q9fs.
Identifiers: ClinVar variation 578920 (VCV000578920.10), dbSNP rs1567892272, ClinGen allele CA891843985.